The following is an entry in ClinVar:

NM_133259.4(LRPPRC):c.2247dup (p.Lys750fs)

Gene: LRPPRC (leucine rich pentatricopeptide repeat containing; minus strand). Cytogenetic location: 2p21.
Variant type: Duplication.
Coding change: c.2247dup on transcript NM_133259.4 (MANE Select); coding-DNA position 2247, one base duplicated (C; older notation c.2247dupC).
Protein change: p.Lys750fs; shifts the reading frame from lysine 750.
Molecular consequence: frameshift variant.
Genome position (GRCh38, 1-based): chr2:43,945,381, G duplicated on the plus strand (C on the coding strand, the reverse complement: LRPPRC is on the minus strand). VCF-style (leftmost placement, unchanged base first): chr2-43945380-T-TG. GRCh37 (hg19) VCF-style: chr2-44172519-T-TG.
Other names: short protein forms K750fs.
Identifiers: ClinVar variation 1460406 (VCV001460406.6), dbSNP rs2105080891, ClinGen allele CA2573134768.

ClinVar aggregate classification (germline): Pathogenic (1 of 4 stars; one submission).

Submission:

Labcorp Genetics (formerly Invitae), Labcorp
Classification: Pathogenic. Last evaluated: 2021-07-30. Review status: criteria provided, single submitter. Criteria: Invitae Variant Classification Sherloc (09022015). Collection method: clinical testing. Allele origin: germline.
Comment: For these reasons, this variant has been classified as Pathogenic. This variant has not been reported in the literature in individuals affected with LRPPRC-related conditions. This variant is not present in population databases (ExAC no frequency). This sequence change creates a premature translational stop signal (p.Lys750Glnfs*20) in the LRPPRC gene. It is expected to result in an absent or disrupted protein product. Loss-of-function variants in LRPPRC are known to be pathogenic (PMID: 26510951).

Literature cited by the submitters: PubMed 26510951.